The following is an entry in ClinVar:

NM_000112.4(SLC26A2):c.391del (p.Leu131fs)

Gene: SLC26A2 (solute carrier family 26 member 2; plus strand). Cytogenetic location: 5q32.
Variant type: Deletion.
Coding change: c.391del on transcript NM_000112.4 (MANE Select); coding-DNA position 391, one base deleted (C; older notation c.391delC).
Protein change: p.Leu131fs; shifts the reading frame from leucine 131.
Molecular consequence: frameshift variant.
Genome position (GRCh38, 1-based): chr5:149,978,043, C deleted; the last of 3 consecutive C bases (chr5:149,978,041-149,978,043); deleting any one gives the same sequence. VCF-style (leftmost placement, unchanged base first): chr5-149978040-TC-T. GRCh37 (hg19) VCF-style: chr5-149357603-TC-T.
Other names: c.391delC (NM_000112.3); short protein forms L131fs.
Identifiers: ClinVar variation 4088 (VCV000004088.10), dbSNP rs786200881, ClinGen allele CA252989.

ClinVar aggregate classification (germline): Pathogenic/Likely pathogenic. Review status: criteria provided, multiple submitters, no conflicts (2 of 4 stars). 7 submissions from 4 submitters: Pathogenic (1); Likely pathogenic (1). 5 of the submissions do not count toward it. Last evaluated 2025-06-25.

Conditions:
Multiple epiphyseal dysplasia type 4 (EDM4). Also called: MULTIPLE EPIPHYSEAL DYSPLASIA WITH BILAYERED PATELLAE; MULTIPLE EPIPHYSEAL DYSPLASIA WITH CLUBFOOT; MULTIPLE EPIPHYSEAL DYSPLASIA, AUTOSOMAL RECESSIVE; SLC26A2-Related Multiple Epiphyseal Dysplasia; Multiple Epiphyseal Dysplasia, Recessive. Identifiers: Orphanet 93307, MedGen C1847593, MONDO:0009189, OMIM 226900.
Diastrophic dysplasia (DTD). Also called: Diastrophic dwarfism. Identifiers: Orphanet 628, MedGen C0220726, MONDO:0009107, OMIM 222600.
Atelosteogenesis type II (AO2). Also called: Neonatal osseous dysplasia 1; NEONATAL OSSEOUS DYSPLASIA I; SLC26A2-Related Atelosteogenesis. Identifiers: Orphanet 56304, MedGen C1850554, MONDO:0009727, OMIM 256050.
Achondrogenesis, type IB (ACG1B). Also called: Achondrogenesis Type 1B. Identifiers: Orphanet 932, Orphanet 93298, MedGen C0265274, MONDO:0010966, OMIM 600972.

Submissions (7):

Natera, Inc.
Classification: Likely pathogenic for Achondrogenesis type IB. Last evaluated: 2025-06-25. Review status: criteria provided, single submitter. Criteria: Natera Variant Classification Schema (03/2026). Collection method: clinical testing. Allele origin: germline.
Comment: The c.391delC variant in SLC26A2 is a frameshift variant predicted to shift the reading frame beginning at codon 131 and leads to a stop codon 41 codons downstream. This variant is expected to result in nonsense mediated decay, truncation, or a dysfunctional protein product. This variant is rare in the general population with a frequency below the threshold expected for the associated phenotype(s). Given the available evidence, this variant is classified as Likely Pathogenic.

Labcorp Genetics (formerly Invitae), Labcorp
Classification: Pathogenic for Atelosteogenesis type II; Multiple epiphyseal dysplasia type 4; Achondrogenesis, type IB; Diastrophic dysplasia. Last evaluated: 2023-09-21. Review status: criteria provided, single submitter. Criteria: Invitae Variant Classification Sherloc (09022015). Collection method: clinical testing. Allele origin: germline.
Comment: ClinVar contains an entry for this variant (Variation ID: 4088). For these reasons, this variant has been classified as Pathogenic. This variant is also known as delta-c418. This sequence change creates a premature translational stop signal (p.Leu131Cysfs*41) in the SLC26A2 gene. It is expected to result in an absent or disrupted protein product. Loss-of-function variants in SLC26A2 are known to be pathogenic (PMID: 7923357, 10482955, 11241838). This variant is not present in population databases (gnomAD no frequency). This premature translational stop signal has been observed in individual(s) with atelosteogenesis type 2 (PMID: 8931695).

Counsyl
Classification: Likely pathogenic for Diastrophic dysplasia. Last evaluated: 2016-06-24. Review status: no assertion criteria provided. Collection method: clinical testing. Allele origin: unknown. Not counted in ClinVar's aggregate classification.

Counsyl
Classification: Likely pathogenic for Multiple epiphyseal dysplasia type 4. Last evaluated: 2016-06-24. Review status: no assertion criteria provided. Collection method: clinical testing. Allele origin: unknown. Not counted in ClinVar's aggregate classification.

Counsyl
Classification: Likely pathogenic for Atelosteogenesis type II. Last evaluated: 2016-06-24. Review status: no assertion criteria provided. Collection method: clinical testing. Allele origin: unknown. Not counted in ClinVar's aggregate classification.

Counsyl
Classification: Likely pathogenic for Achondrogenesis, type IB. Last evaluated: 2016-06-24. Review status: no assertion criteria provided. Collection method: clinical testing. Allele origin: unknown. Not counted in ClinVar's aggregate classification.

OMIM
Classification: Pathogenic for ATELOSTEOGENESIS, TYPE II. Last evaluated: 1996-12-01. Review status: no assertion criteria provided. Collection method: literature only. Allele origin: germline. Not counted in ClinVar's aggregate classification.

Literature cited by the submitters: PubMed 7923357 (cited by Labcorp Genetics (formerly Invitae), Labcorp); PubMed 10482955 (cited by Labcorp Genetics (formerly Invitae), Labcorp); PubMed 11241838 (cited by Labcorp Genetics (formerly Invitae), Labcorp); PubMed 8931695 (cited by 3 submitters).